The following is an entry in ClinVar:

NM_006231.4(POLE):c.2136C>T (p.Arg712=)

Gene: POLE (DNA polymerase epsilon, catalytic subunit; minus strand). Cytogenetic location: 12q24.33.
Variant type: single nucleotide variant.
Coding change: c.2136C>T on transcript NM_006231.4 (MANE Select); coding-DNA position 2136, C replaced by T.
Protein change: p.Arg712=; no amino-acid change (arginine 712 retained).
Molecular consequence: synonymous variant.
Genome position (GRCh38, 1-based): chr12:132,668,393, G>A on the plus strand (C>T on the coding strand, the complement: POLE is on the minus strand). VCF-style: chr12-132668393-G-A. GRCh37 (hg19) VCF-style: chr12-133244979-G-A.
Identifiers: ClinVar variation 413553 (VCV000413553.17), dbSNP rs755810756, ClinGen allele CA6893669.

ClinVar aggregate classification (germline): Likely benign. Review status: criteria provided, multiple submitters, no conflicts (2 of 4 stars). 4 submissions from 4 submitters: Likely benign (3). 1 of the submissions does not count toward it. Last evaluated 2025-12-29.

Conditions:
POLE-related disorder. Also called: POLE-related condition; POLE-related disorders.
Hereditary cancer-predisposing syndrome. Also called: Neoplastic Syndromes, Hereditary; Tumor predisposition; Hereditary Cancer Syndrome; Hereditary neoplastic syndrome. Identifiers: Orphanet 140162, MedGen C0027672, MeSH D009386, MONDO:0015356.

Allele frequency attached by ClinVar (database versions not stated): ExAC 0.00001; gnomAD exomes 0.00001; TOPMed 0.00001; gnomAD 0.00003 and 0.00004.
gnomAD v4.1: 16 of 1,608,886 alleles (0.00099%); highest among the groups gnomAD compares: African/African-American, 0.004%; no homozygotes.

Submissions (4):

Center for Genomic Medicine, Rigshospitalet, Copenhagen University Hospital
Classification: Likely benign. Last evaluated: 2025-12-29. Review status: criteria provided, single submitter. Criteria: ACMG Guidelines, 2015. Collection method: clinical testing. Allele origin: germline.

Labcorp Genetics (formerly Invitae), Labcorp
Classification: Likely benign. Last evaluated: 2025-11-10. Review status: criteria provided, single submitter. Criteria: Invitae Variant Classification Sherloc (09022015). Collection method: clinical testing. Allele origin: germline.

Ambry Genetics
Classification: Likely benign for Hereditary cancer-predisposing syndrome. Last evaluated: 2018-11-15. Review status: criteria provided, single submitter. Criteria: Ambry Variant Classification Scheme 2023. Collection method: clinical testing. Allele origin: germline.

PreventionGenetics, part of Exact Sciences
Classification: Likely benign for POLE-related condition. Last evaluated: 2023-11-08. Review status: no assertion criteria provided. Collection method: clinical testing. Allele origin: germline. Not counted in ClinVar's aggregate classification.
Comment: This variant is classified as likely benign based on ACMG/AMP sequence variant interpretation guidelines (Richards et al. 2015 PMID: 25741868, with internal and published modifications).